The following is an entry in ClinVar:

NM_024422.6(DSC2):c.401A>C (p.Lys134Thr)

Gene: DSC2 (desmocollin 2; minus strand). Cytogenetic location: 18q12.1.
Variant type: single nucleotide variant.
Coding change: c.401A>C on transcript NM_024422.6 (MANE Select); coding-DNA position 401, A replaced by C.
Protein change: p.Lys134Thr; replaces lysine 134 with threonine.
Molecular consequence: missense variant. On other transcripts: 5 prime UTR variant (2).
Genome position (GRCh38, 1-based): chr18:31,091,101, T>G on the plus strand (A>C on the coding strand, the complement: DSC2 is on the minus strand). VCF-style: chr18-31091101-T-G. GRCh37 (hg19) VCF-style: chr18-28671064-T-G.
Other names: c.-29A>C (NM_001406506.1, NM_001406507.1); c.401A>C, p.Lys134Thr (NM_004949.5); c.401A>C (NM_024422.3); short protein forms K134T.
Identifiers: ClinVar variation 3072743 (VCV003072743.2), dbSNP rs2510955023, ClinGen allele CA402114354.

ClinVar aggregate classification (germline): Uncertain significance. Review status: criteria provided, multiple submitters, no conflicts (2 of 4 stars). 2 submissions from 2 submitters: Uncertain significance (2). Last evaluated 2024-02-12.

Conditions:
Familial isolated arrhythmogenic right ventricular dysplasia. Identifiers: Orphanet 217656, MedGen C4274968, MONDO:0016342.

gnomAD v4.1: 1 of 1,614,082 alleles (0.000062%); highest among the groups gnomAD compares: Non-Finnish European, 0.000085%; no homozygotes.

Submissions (2):

GeneDx
Classification: Uncertain significance. Last evaluated: 2024-02-12. Review status: criteria provided, single submitter. Criteria: GeneDx Variant Classification Process June 2021. Collection method: clinical testing. Allele origin: germline. Affected: yes.
Comment: Not observed at significant frequency in large population cohorts (gnomAD); In silico analysis supports that this missense variant has a deleterious effect on protein structure/function; Has not been previously published as pathogenic or benign to our knowledge

All of Us Research Program, National Institutes of Health
Classification: Uncertain significance for Familial isolated arrhythmogenic right ventricular dysplasia. Last evaluated: 2023-08-15. Review status: criteria provided, single submitter. Criteria: ACMG Guidelines, 2015. Collection method: clinical testing. Allele origin: germline. Inheritance: Autosomal dominant inheritance. Observed: 1 variant allele, 1 heterozygote.
Comment: This missense variant replaces lysine with threonine at codon 134 of the DSC2 protein. Computational prediction is inconclusive regarding the impact of this variant on protein structure and function (internally defined REVEL score threshold 0.5 < inconclusive < 0.7, PMID: 27666373). To our knowledge, functional studies have not been reported for this variant. This variant has not been reported in individuals affected with DSC2-related disorders in the literature. This variant has not been identified in the general population by the Genome Aggregation Database (gnomAD). The available evidence is insufficient to determine the role of this variant in disease conclusively. Therefore, this variant is classified as a Variant of Uncertain Significance.

This study involves interpretation of variants in research participants for the purpose of population health screening. Participant phenotype was not available at the time of variant classification. Additional details can be found in publication PMID: 35346344, PMCID: PMC8962531